The following is an entry in ClinVar:

ClinVar aggregate classification (germline): Uncertain significance (1 of 4 stars; one submission).

Conditions:
Episodic ataxia type 2 (EA2). Also called: ATAXIA, EPISODIC, WITH NYSTAGMUS; ATAXIA, FAMILIAL PAROXYSMAL; CEREBELLAR ATAXIA, PAROXYSMAL, ACETAZOLAMIDE-RESPONSIVE; CEREBELLOPATHY, HEREDITARY PAROXYSMAL; EPISODIC ATAXIA, NYSTAGMUS-ASSOCIATED; ACETAZOLAMIDE-RESPONSIVE HEREDITARY PAROXYSMAL CEREBELLAR ATAXIA. Identifiers: Orphanet 97, MedGen C1720416, MONDO:0007163, OMIM 108500.
Developmental and epileptic encephalopathy, 42 (DEE42A). Also called: Epileptic encephalopathy, early infantile, 42; DEVELOPMENTAL AND EPILEPTIC ENCEPHALOPATHY 42A; EPILEPTIC ENCEPHALOPATHY, EARLY INFANTILE, 42A. Identifiers: MedGen C4310716, MONDO:0014917, OMIM 617106.

Allele frequency attached by ClinVar (database versions not stated): gnomAD exomes below 0.00001.
gnomAD v4.1: 1 of 1,548,126 alleles (0.000065%); highest among the groups gnomAD compares: Non-Finnish European, 0.000087%; no homozygotes.

Submission:

Labcorp Genetics (formerly Invitae), Labcorp
Classification: Uncertain significance for Developmental and epileptic encephalopathy, 42; Episodic ataxia type 2. Last evaluated: 2024-11-04. Review status: criteria provided, single submitter. Criteria: Invitae Variant Classification Sherloc (09022015). Collection method: clinical testing. Allele origin: germline.
Comment: This sequence change replaces glycine, which is neutral and non-polar, with arginine, which is basic and polar, at codon 22 of the CACNA1A protein (p.Gly22Arg). This variant is not present in population databases (gnomAD no frequency). This variant has not been reported in the literature in individuals affected with CACNA1A-related conditions. ClinVar contains an entry for this variant (Variation ID: 2111985). Invitae Evidence Modeling of protein sequence and biophysical properties (such as structural, functional, and spatial information, amino acid conservation, physicochemical variation, residue mobility, and thermodynamic stability) has been performed for this missense variant. However, the output from this modeling did not meet the statistical confidence thresholds required to predict the impact of this variant on CACNA1A protein function. In summary, the available evidence is currently insufficient to determine the role of this variant in disease. Therefore, it has been classified as a Variant of Uncertain Significance.

NM_001127222.2(CACNA1A):c.64G>A (p.Gly22Arg)

Gene: CACNA1A (calcium voltage-gated channel subunit alpha1 A; minus strand). Cytogenetic location: 19p13.13.
Variant type: single nucleotide variant.
Coding change: c.64G>A on transcript NM_001127222.2 (MANE Select); coding-DNA position 64, G replaced by A.
Protein change: p.Gly22Arg; replaces glycine 22 with arginine.
Molecular consequence: missense variant.
Genome position (GRCh38, 1-based): chr19:13,506,161, C>T on the plus strand (G>A on the coding strand, the complement: CACNA1A is on the minus strand). VCF-style: chr19-13506161-C-T. GRCh37 (hg19) VCF-style: chr19-13616975-C-T.
Other names: c.64G>A, p.Gly22Arg (NM_000068.4, NM_001127221.2, NM_001174080.2 and 1 more transcripts); short protein forms G22R.
Identifiers: ClinVar variation 2111985 (VCV002111985.4), dbSNP rs2513709975, ClinGen allele CA404971279.
Genomic context (GRCh38, chr19:13,506,161, plus strand): 5'-GCTGCCCGCCCTGCCGGCTGCCCCCGGCTCCTCGCCCGCCTCCGCTGCCCACGACCACCC[C>T]GGCGGCTGCCCCGGAGCCTCCTCCCCCGTAGCGGGCCGGCATCTCGTCTCCGAAGCGGGC-3'
Protein context (NP_001120694.1, residues 12-32): YGGGGSGAAA[Gly22Arg]VVVGSGGGRG